The following is an entry in ClinVar:

NM_022455.5(NSD1):c.5387T>G (p.Val1796Gly)

Genes: NSD1 (nuclear receptor binding SET domain protein 1; plus strand), LOC126807619 (MED14-independent group 3 enhancer GRCh37_chr5:176696443-176697642; plus strand). Cytogenetic location: 5q35.3.
Variant type: single nucleotide variant.
Coding change: c.5387T>G on transcript NM_022455.5 (MANE Select); coding-DNA position 5387, T replaced by G.
Protein change: p.Val1796Gly; replaces valine 1796 with glycine.
Molecular consequence: missense variant.
Genome position (GRCh38, 1-based): chr5:177,269,685, T>G. VCF-style: chr5-177269685-T-G. GRCh37 (hg19) VCF-style: chr5-176696686-T-G.
Other names: c.4514T>G, p.Val1505Gly (NM_001365684.2, NM_001409308.1, NM_001409309.1 and 1 more transcripts); c.5387T>G, p.Val1796Gly (NM_001409301.1, NM_001409302.1, NM_001409303.1); c.4967T>G, p.Val1656Gly (NM_001409304.1); c.4634T>G, p.Val1545Gly (NM_001409305.1); c.4625T>G, p.Val1542Gly (NM_001409306.1, NM_001409307.1); short protein forms V1505G, V1542G, V1545G, V1656G, V1796G.
Identifiers: ClinVar variation 3391512 (VCV003391512.1).

ClinVar aggregate classification (germline): Likely pathogenic (1 of 4 stars; one submission).

Submission:

GeneDx
Classification: Likely pathogenic. Last evaluated: 2024-06-20. Review status: criteria provided, single submitter. Criteria: GeneDx Variant Classification Process June 2021. Collection method: clinical testing. Allele origin: germline. Affected: yes.
Comment: Not observed at significant frequency in large population cohorts (gnomAD); In silico analysis supports that this missense variant has a deleterious effect on protein structure/function; Has not been previously published as pathogenic or benign to our knowledge